The following is an entry in ClinVar:

ClinVar aggregate classification (germline): Likely pathogenic. Review status: criteria provided, multiple submitters, no conflicts (2 of 4 stars). 2 submissions from 2 submitters: Likely pathogenic (2). Last evaluated 2025-09-10.

Conditions:
Cardiovascular phenotype. Identifiers: MedGen CN230736.
Distal myopathy with posterior leg and anterior hand involvement. Also called: WILLIAMS DISTAL MYOPATHY. Identifiers: Orphanet 63273, MedGen C3279722, MONDO:0013550, OMIM 614065.
Myofibrillar myopathy 5. Also called: Filaminopathy (type); FILAMINOPATHY, AUTOSOMAL DOMINANT. Identifiers: Orphanet 171445, MedGen C1836050, MONDO:0012289, OMIM 609524.
Hypertrophic cardiomyopathy 26. Also called: Cardiomyopathy, familial hypertrophic, 26. Identifiers: Orphanet 75249, MedGen C4310749, MONDO:0014883, OMIM 617047.

Submissions (2):

Labcorp Genetics (formerly Invitae), Labcorp
Classification: Likely pathogenic for Distal myopathy with posterior leg and anterior hand involvement; Myofibrillar myopathy 5; Hypertrophic cardiomyopathy 26. Last evaluated: 2025-09-10. Review status: criteria provided, single submitter. Criteria: Invitae Variant Classification Sherloc (09022015). Collection method: clinical testing. Allele origin: germline.
Comment: This sequence change affects a donor splice site in intron 7 of the FLNC gene. It is expected to disrupt RNA splicing. Variants that disrupt the donor or acceptor splice site typically lead to a loss of protein function (PMID: 16199547), and loss-of-function variants in FLNC are known to be pathogenic (PMID: 27908349). This variant is not present in population databases (gnomAD no frequency). This variant has not been reported in the literature in individuals affected with FLNC-related conditions. ClinVar contains an entry for this variant (Variation ID: 3279225). Algorithms developed to predict the effect of sequence changes on RNA splicing suggest that this variant may disrupt the consensus splice site. In summary, the currently available evidence indicates that the variant is pathogenic, but additional data are needed to prove that conclusively. Therefore, this variant has been classified as Likely Pathogenic.

Ambry Genetics
Classification: Likely pathogenic for Cardiovascular phenotype. Last evaluated: 2024-06-13. Review status: criteria provided, single submitter. Criteria: Ambry Variant Classification Scheme 2023. Collection method: clinical testing. Allele origin: germline.
Comment: The c.1210+1G>A intronic variant results from a G to A substitution one nucleotide after coding exon 7 of the FLNC gene. This variant is considered to be rare based on population cohorts in the Genome Aggregation Database (gnomAD). This variant has been observed in at least one individual with a personal and/or family history that is consistent with dilated cardiomyopathy (Ambry internal data). This nucleotide position is highly conserved in available vertebrate species. In silico splice site analysis predicts that this alteration will weaken the native splice donor site and will result in the creation or strengthening of a novel splice donor site. Alterations that disrupt the canonical splice site are expected to cause aberrant splicing, resulting in an abnormal protein or a transcript that is subject to nonsense-mediated mRNA decay. As such, this alteration is classified as likely pathogenic for FLNC-related dilated cardiomyopathy; however, its clinical significance for FLNC-related hypertrophic/restrictive cardiomyopathy and/or skeletal myopathy is uncertain.

Literature cited by the submitters: PubMed 16199547 (cited by Labcorp Genetics (formerly Invitae), Labcorp); PubMed 27908349 (cited by Labcorp Genetics (formerly Invitae), Labcorp).

NM_001458.5(FLNC):c.1210+1G>A

Gene: FLNC (filamin C; plus strand). Cytogenetic location: 7q32.1.
Variant type: single nucleotide variant.
Coding change: c.1210+1G>A on transcript NM_001458.5 (MANE Select); the canonical splice donor site of the intron after coding-DNA position 1210, G replaced by A.
Molecular consequence: splice donor variant.
Genome position (GRCh38, 1-based): chr7:128,838,430, G>A. VCF-style: chr7-128838430-G-A. GRCh37 (hg19) VCF-style: chr7-128478484-G-A.
Other names: c.1210+1G>A (NM_001127487.2).
Identifiers: ClinVar variation 3279225 (VCV003279225.3).